The following is an entry in ClinVar:

ClinVar aggregate classification (germline): Uncertain significance (1 of 4 stars; one submission).

Submission:

Labcorp Genetics (formerly Invitae), Labcorp
Classification: Uncertain significance. Last evaluated: 2023-04-08. Review status: criteria provided, single submitter. Criteria: Invitae Variant Classification Sherloc (09022015). Collection method: clinical testing. Allele origin: germline.
Comment: In summary, the available evidence is currently insufficient to determine the role of this variant in disease. Therefore, it has been classified as a Variant of Uncertain Significance. Algorithms developed to predict the effect of sequence changes on RNA splicing suggest that this variant may create or strengthen a splice site. This variant has not been reported in the literature in individuals affected with CACNA1D-related conditions. This variant is not present in population databases (gnomAD no frequency). This sequence change affects codon 1829 of the CACNA1D mRNA. It is a 'silent' change, meaning that it does not change the encoded amino acid sequence of the CACNA1D protein.

NM_001128840.3(CACNA1D):c.5427T>C (p.Thr1809=)

Gene: CACNA1D (calcium voltage-gated channel subunit alpha1 D; plus strand). Cytogenetic location: 3p21.1.
Variant type: single nucleotide variant.
Coding change: c.5427T>C on transcript NM_001128840.3 (MANE Select); coding-DNA position 5427, T replaced by C.
Protein change: p.Thr1809=; no amino-acid change (threonine 1809 retained).
Molecular consequence: synonymous variant. On other transcripts: intron variant (1).
Genome position (GRCh38, 1-based): chr3:53,802,165, T>C. VCF-style: chr3-53802165-T-C. GRCh37 (hg19) VCF-style: chr3-53836192-T-C.
Other names: c.5487T>C, p.Thr1829= (NM_000720.4); c.5363+740T>C (NM_001128839.3).
Identifiers: ClinVar variation 2796342 (VCV002796342.3), dbSNP rs2474480564, ClinGen allele CA433804175.